The following is an entry in ClinVar:

NM_002055.5(GFAP):c.376C>T (p.Arg126Trp)

Gene: GFAP (glial fibrillary acidic protein; minus strand). Cytogenetic location: 17q21.31.
Variant type: single nucleotide variant.
Coding change: c.376C>T on transcript NM_002055.5 (MANE Select); coding-DNA position 376, C replaced by T.
Protein change: p.Arg126Trp; replaces arginine 126 with tryptophan.
Molecular consequence: missense variant.
Genome position (GRCh38, 1-based): chr17:44,915,111, G>A on the plus strand (C>T on the coding strand, the complement: GFAP is on the minus strand). VCF-style: chr17-44915111-G-A. GRCh37 (hg19) VCF-style: chr17-42992479-G-A.
Other names: NM_002055.5(GFAP):c.376C>T; p.Arg126Trp; c.376C>T, p.Arg126Trp (NM_001131019.3, NM_001242376.3, NM_001363846.2); short protein forms R126W.
Identifiers: ClinVar variation 1804738 (VCV001804738.9), dbSNP rs201959936, ClinGen allele CA8609050.
Genomic context (GRCh38, chr17:44,915,111, plus strand): 5'-GTGCCAGATTGTCCCTCTCAACCTCCAGCCGGGCGCTGTTGGCGGTGAGTTGATCGAGCC[G>A]CAGCCGCAGCTCTCGCAGCTCAGCCTGGTAGACGTCTGCCAGCTTGGTGGGCTCCTTGGC-3'
Protein context (NP_002046.1, residues 116-136): YQAELRELRL[Arg126Trp]LDQLTANSAR

ClinVar aggregate classification (germline): Likely benign. Review status: reviewed by expert panel (3 of 4 stars). 5 submissions from 5 submitters: Likely benign (1). 4 of the submissions do not count toward it. Last evaluated 2026-10-23.

Conditions:
Alexander disease (ALXDRD). Also called: Alexander's disease. Identifiers: Orphanet 58, MedGen C0270726, MONDO:0008752, OMIM 203450.

Allele frequency attached by ClinVar (database versions not stated): gnomAD 0.00003; TOPMed 0.00005.
gnomAD v4.1: 36 of 1,613,674 alleles (0.0022%); highest among the groups gnomAD compares: Admixed American, 0.012%; no homozygotes.

Submissions (5):

ClinGen Leukodystrophy and Leukoencephalopathy Variant Curation Expert Panel, ClinGen
Classification: Likely benign for Alexander disease. Last evaluated: 2026-10-23. Review status: reviewed by expert panel. Criteria: ClinGen Leuko ACMG Specifications GFAP V1.0. Collection method: curation. Allele origin: germline. Inheritance: Autosomal dominant inheritance.
Comment: The c.376C>T variant in GFAP is a missense variant predicted to cause substitution of arginine by tryptophan at amino acid 126 (p.Arg126Trp). The GrpMax filtering allele frequency in gnomAD v4.1.0 is 0.00005434 from the Admixed American genetic ancestry group (the lower threshold of the 95% CI of 36/1613674 alleles), which is higher than the ClinGen Leukodystrophy and Leukoencephalopathy VCEP threshold (>0.00001) for BS1, and therefore meets this criterion (BS1). This variant has not been reported in any probands/families meeting phenotypic criteria for Alexander disease. There is no conflicting evidence for this variant. In summary, this variant meets the criteria to be classified as likely benign for Alexander disease based on the ACMG/AMP criteria applied, as specified by the ClinGen Leukodystrophy and Leukoencephalopathy Expert Panel Specifications to the ACMG/AMP Variant Interpretation Guidelines for GFAP Version 1.0.0): BS1.

CeGaT Center for Human Genetics Tuebingen
Classification: Likely benign. Last evaluated: 2026-04-01. Review status: criteria provided, single submitter. Criteria: CeGaT Center For Human Genetics Tuebingen Variant Classification Criteria Version 2. Collection method: clinical testing. Allele origin: germline. Affected: yes. Observed: 1 variant allele. Not counted in ClinVar's aggregate classification.
Comment: GFAP: BS1

Athena Diagnostics
Classification: Uncertain significance. Last evaluated: 2025-04-17. Review status: criteria provided, single submitter. Criteria: Athena Diagnostics Criteria. Collection method: clinical testing. Allele origin: unknown. Not counted in ClinVar's aggregate classification.
Comment: Available data are insufficient to determine the clinical significance of the variant at this time. The frequency of this variant in the general population is higher than would generally be expected for pathogenic variants in this gene. Polyphen and MutationTaster predict this amino acid change may be damaging to the protein.

Labcorp Genetics (formerly Invitae), Labcorp
Classification: Uncertain significance. Last evaluated: 2023-12-15. Review status: criteria provided, single submitter. Criteria: Invitae Variant Classification Sherloc (09022015). Collection method: clinical testing. Allele origin: germline. Not counted in ClinVar's aggregate classification.
Comment: This sequence change replaces arginine, which is basic and polar, with tryptophan, which is neutral and slightly polar, at codon 126 of the GFAP protein (p.Arg126Trp). This variant is present in population databases (rs201959936, gnomAD 0.02%). This variant has not been reported in the literature in individuals affected with GFAP-related conditions. ClinVar contains an entry for this variant (Variation ID: 1804738). Advanced modeling of protein sequence and biophysical properties (such as structural, functional, and spatial information, amino acid conservation, physicochemical variation, residue mobility, and thermodynamic stability) has been performed at Invitae for this missense variant, however the output from this modeling did not meet the statistical confidence thresholds required to predict the impact of this variant on GFAP protein function. In summary, the available evidence is currently insufficient to determine the role of this variant in disease. Therefore, it has been classified as a Variant of Uncertain Significance.

Women's Health and Genetics/Laboratory Corporation of America, LabCorp
Classification: Likely benign. Last evaluated: 2022-11-09. Review status: criteria provided, single submitter. Criteria: LabCorp Variant Classification Summary - May 2015. Collection method: clinical testing. Allele origin: germline. Not counted in ClinVar's aggregate classification.
Comment: Variant summary: GFAP c.376C>T (p.Arg126Trp) results in a non-conservative amino acid change located in the Intermediate filament, rod domain (IPR039008) of the encoded protein sequence. Five of five in-silico tools predict a damaging effect of the variant on protein function. The variant allele was found at a frequency of 3.3e-05 in 395202 control chromosomes, i.e. 13 carriers in the gnomAD v2.1 and v3.1 non-v2 datasets. This allele count is higher than the estimated maximum expected for a pathogenic variant in the GFAP gene causing Alexander Disease, i.e. a rare, and mostly severe autosomal dominant disease. To our knowledge, no occurrence of c.376C>T in individuals affected with Alexander Disease and no experimental evidence demonstrating its impact on protein function have been reported. No clinical diagnostic laboratories have submitted clinical-significance assessments for this variant to ClinVar after 2014. Based on the evidence outlined above, the variant was classified as likely benign.

Literature cited by the submitters: PubMed 39643430 (cited by Athena Diagnostics).